The following is an entry in ClinVar:

NM_012079.6(DGAT1):c.868C>T (p.Gln290Ter)

Gene: DGAT1 (diacylglycerol O-acyltransferase 1; minus strand). Cytogenetic location: 8q24.3.
Variant type: single nucleotide variant.
Coding change: c.868C>T on transcript NM_012079.6 (MANE Select); coding-DNA position 868, C replaced by T.
Protein change: p.Gln290Ter; replaces glutamine 290 with a stop codon.
Molecular consequence: nonsense.
Genome position (GRCh38, 1-based): chr8:144,317,810, G>A on the plus strand (C>T on the coding strand, the complement: DGAT1 is on the minus strand). VCF-style: chr8-144317810-G-A. GRCh37 (hg19) VCF-style: chr8-145541473-G-A.
Other names: short protein forms Q290*.
Identifiers: ClinVar variation 1445272 (VCV001445272.6), dbSNP rs782349298, ClinGen allele CA372610060.

ClinVar aggregate classification (germline): Pathogenic (1 of 4 stars; one submission).

Allele frequency attached by ClinVar (database versions not stated): TOPMed 0.00002.

Submission:

Labcorp Genetics (formerly Invitae), Labcorp
Classification: Pathogenic. Last evaluated: 2025-01-06. Review status: criteria provided, single submitter. Criteria: Invitae Variant Classification Sherloc (09022015). Collection method: clinical testing. Allele origin: germline.
Comment: This sequence change creates a premature translational stop signal (p.Gln290*) in the DGAT1 gene. It is expected to result in an absent or disrupted protein product. Loss-of-function variants in DGAT1 are known to be pathogenic (PMID: 29604290). This variant is not present in population databases (gnomAD no frequency). This variant has not been reported in the literature in individuals affected with DGAT1-related conditions. ClinVar contains an entry for this variant (Variation ID: 1445272). For these reasons, this variant has been classified as Pathogenic.

Literature cited by the submitters: PubMed 29604290.